The following is an entry in ClinVar:

ClinVar aggregate classification (germline): Uncertain significance. Review status: criteria provided, multiple submitters, no conflicts (2 of 4 stars). 2 submissions from 2 submitters: Uncertain significance (2). Last evaluated 2024-09-05.

Conditions:
Hereditary cancer-predisposing syndrome. Also called: Tumor predisposition; Hereditary neoplastic syndrome; Neoplastic Syndromes, Hereditary; Hereditary Cancer Syndrome. Identifiers: Orphanet 140162, MedGen C0027672, MeSH D009386, MONDO:0015356.

Submissions (2):

Ambry Genetics
Classification: Uncertain significance for Hereditary cancer-predisposing syndrome. Last evaluated: 2024-09-05. Review status: criteria provided, single submitter. Criteria: Ambry Variant Classification Scheme 2023. Collection method: clinical testing. Allele origin: germline.
Comment: The p.M729V variant (also known as c.2185A>G), located in coding exon 13 of the RAD50 gene, results from an A to G substitution at nucleotide position 2185. The methionine at codon 729 is replaced by valine, an amino acid with highly similar properties. This amino acid position is conserved. In addition, this alteration is predicted to be deleterious by in silico analysis. Based on the available evidence, the clinical significance of this variant remains unclear.

Labcorp Genetics (formerly Invitae), Labcorp
Classification: Uncertain significance for Hereditary cancer-predisposing syndrome. Last evaluated: 2020-06-30. Review status: criteria provided, single submitter. Criteria: Invitae Variant Classification Sherloc (09022015). Collection method: clinical testing. Allele origin: germline.
Comment: In summary, the available evidence is currently insufficient to determine the role of this variant in disease. Therefore, it has been classified as a Variant of Uncertain Significance. Algorithms developed to predict the effect of missense changes on protein structure and function (SIFT, PolyPhen-2, Align-GVGD) all suggest that this variant is likely to be tolerated, but these predictions have not been confirmed by published functional studies and their clinical significance is uncertain. This variant has not been reported in the literature in individuals with RAD50-related conditions. This variant is not present in population databases (ExAC no frequency). This sequence change replaces methionine with valine at codon 729 of the RAD50 protein (p.Met729Val). The methionine residue is moderately conserved and there is a small physicochemical difference between methionine and valine.

NM_005732.4(RAD50):c.2185A>G (p.Met729Val)

Gene: RAD50 (RAD50 double strand break repair protein; plus strand). Cytogenetic location: 5q31.1.
Variant type: single nucleotide variant.
Coding change: c.2185A>G on transcript NM_005732.4 (MANE Select); coding-DNA position 2185, A replaced by G.
Protein change: p.Met729Val; replaces methionine 729 with valine.
Molecular consequence: missense variant.
Genome position (GRCh38, 1-based): chr5:132,595,788, A>G. VCF-style: chr5-132595788-A-G. GRCh37 (hg19) VCF-style: chr5-131931480-A-G.
Other names: c.2185A>G (NM_005732.3); short protein forms M729V.
Identifiers: ClinVar variation 1009873 (VCV001009873.10), dbSNP rs1750781809, ClinGen allele CA360950764.